The following is an entry in ClinVar:

NM_000038.6(APC):c.4032A>C (p.Ser1344=)

Gene: APC (APC regulator of Wnt signaling pathway; plus strand). Cytogenetic location: 5q22.2.
Variant type: single nucleotide variant.
Coding change: c.4032A>C on transcript NM_000038.6 (MANE Select); coding-DNA position 4032, A replaced by C.
Protein change: p.Ser1344=; no amino-acid change (serine 1344 retained).
Molecular consequence: synonymous variant.
Genome position (GRCh38, 1-based): chr5:112,839,626, A>C. VCF-style: chr5-112839626-A-C. GRCh37 (hg19) VCF-style: chr5-112175323-A-C.
Other names: c.4032A>C, p.Ser1344= (NM_001127510.3, NM_001354895.2); c.3978A>C, p.Ser1326= (NM_001127511.3); c.4086A>C, p.Ser1362= (NM_001354896.2); c.4062A>C, p.Ser1354= (NM_001354897.2); c.3957A>C, p.Ser1319= (NM_001354898.2); c.3948A>C, p.Ser1316= (NM_001354899.2); c.3909A>C, p.Ser1303= (NM_001354900.2); c.3855A>C, p.Ser1285= (NM_001354901.2); and 5 more.
Identifiers: ClinVar variation 824525 (VCV000824525.10), dbSNP rs756433996, ClinGen allele CA445964054.
Genomic context (GRCh38, chr5:112,839,626, plus strand): 5'-AGCAGTGTCACAGCACCCTAGAACCAAATCCAGCAGACTGCAGGGTTCTAGTTTATCTTC[A>C]GAATCAGCCAGGCACAAAGCTGTTGAATTTTCTTCAGGAGCGAAATCTCCCTCCAAAAGT-3'
Protein context (NP_000029.2, residues 1334-1354): SSRLQGSSLS[Ser1344=]ESARHKAVEF

ClinVar aggregate classification (germline): Conflicting classifications of pathogenicity. Review status: criteria provided, conflicting classifications (1 of 4 stars). 4 submissions from 4 submitters: Uncertain significance (1); Benign (1); Likely benign (2). Last evaluated 2025-09-15.

Conditions:
Hereditary cancer-predisposing syndrome. Also called: Neoplastic Syndromes, Hereditary; Tumor predisposition; Hereditary neoplastic syndrome; Hereditary Cancer Syndrome. Identifiers: Orphanet 140162, MedGen C0027672, MeSH D009386, MONDO:0015356.
Classic or attenuated familial adenomatous polyposis. Identifiers: MedGen CN372698, MONDO:0021057.
Familial adenomatous polyposis 1 (FAP1). Also called: POLYPOSIS, ADENOMATOUS INTESTINAL; FAMILIAL ADENOMATOUS POLYPOSIS 1, ATTENUATED. Identifiers: MedGen C2713442, MONDO:0021056, OMIM 175100. Disease mechanism: loss of function.

Submissions (4):

Labcorp Genetics (formerly Invitae), Labcorp
Classification: Likely benign for Familial adenomatous polyposis 1. Last evaluated: 2025-09-15. Review status: criteria provided, single submitter. Criteria: Invitae Variant Classification Sherloc (09022015). Collection method: clinical testing. Allele origin: germline.

Myriad Genetics, Inc.
Classification: Benign for Familial adenomatous polyposis 1. Last evaluated: 2024-03-25. Review status: criteria provided, single submitter. Criteria: Myriad Autosomal Dominant, Autosomal Recessive and X-Linked Classification Criteria (2023). Collection method: clinical testing. Allele origin: unknown.
Comment: This variant is considered benign. This variant is a silent/synonymous amino acid change and it is not expected to impact splicing.

All of Us Research Program, National Institutes of Health
Classification: Uncertain significance for Classic or attenuated familial adenomatous polyposis. Last evaluated: 2023-11-20. Review status: criteria provided, single submitter. Criteria: ACMG Guidelines, 2015. Collection method: clinical testing. Allele origin: germline. Inheritance: Autosomal dominant inheritance. Observed: 1 variant allele, 1 heterozygote.
Comment: This variant is located in the APC protein. To our knowledge, functional studies have not been reported for this variant. This variant has not been reported in individuals affected with APC-related disorders in the literature. This variant has not been identified in the general population by the Genome Aggregation Database (gnomAD). The available evidence is insufficient to determine the role of this variant in disease conclusively. Therefore, this variant is classified as a Variant of Uncertain Significance.

This study involves interpretation of variants in research participants for the purpose of population health screening. Participant phenotype was not available at the time of variant classification. Additional details can be found in publication PMID: 35346344, PMCID: PMC8962531

Ambry Genetics
Classification: Likely benign for Hereditary cancer-predisposing syndrome. Last evaluated: 2018-04-11. Review status: criteria provided, single submitter. Criteria: Ambry Variant Classification Scheme 2023. Collection method: clinical testing. Allele origin: germline.